The following is an entry in ClinVar:

ClinVar aggregate classification (germline): Likely benign (0 of 4 stars; one submission).

Conditions:
TG-related disorder. Also called: TG-related disorders; TG-related condition.

Allele frequency attached by ClinVar (database versions not stated): gnomAD 0.00001; gnomAD exomes 0.00001.
gnomAD v4.1: 8 of 1,598,844 alleles (0.0005%); highest among the groups gnomAD compares: Middle Eastern, 0.017%; no homozygotes.

Submission:

PreventionGenetics, part of Exact Sciences
Classification: Likely benign for TG-related condition. Last evaluated: 2019-05-29. Review status: no assertion criteria provided. Collection method: clinical testing. Allele origin: germline.
Comment: This variant is classified as likely benign based on ACMG/AMP sequence variant interpretation guidelines (Richards et al. 2015 PMID: 25741868, with internal and published modifications).

NM_003235.5(TG):c.6055+6A>G

Gene: TG (thyroglobulin; plus strand). Cytogenetic location: 8q24.22.
Variant type: single nucleotide variant.
Coding change: c.6055+6A>G on transcript NM_003235.5 (MANE Select); 6 bases into the intron after coding-DNA position 6055, A replaced by G.
Molecular consequence: intron variant.
Genome position (GRCh38, 1-based): chr8:132,971,879, A>G. VCF-style: chr8-132971879-A-G. GRCh37 (hg19) VCF-style: chr8-133984124-A-G.
Identifiers: ClinVar variation 3044458 (VCV003044458.2), dbSNP rs1829571049, ClinGen allele CA1821005091.